The following is an entry in ClinVar:

NM_000540.3(RYR1):c.9241A>T (p.Met3081Leu)

Gene: RYR1 (ryanodine receptor 1; plus strand). Cytogenetic location: 19q13.2.
Variant type: single nucleotide variant.
Coding change: c.9241A>T on transcript NM_000540.3 (MANE Select); coding-DNA position 9241, A replaced by T.
Protein change: p.Met3081Leu; replaces methionine 3081 with leucine.
Molecular consequence: missense variant.
Genome position (GRCh38, 1-based): chr19:38,512,252, A>T. VCF-style: chr19-38512252-A-T. GRCh37 (hg19) VCF-style: chr19-39002892-A-T.
Other names: c.9241A>T, p.Met3081Leu (NM_001042723.2); short protein forms M3081L.
Identifiers: ClinVar variation 3385499 (VCV003385499.1).
Genomic context (GRCh38, chr19:38,512,252, plus strand): 5'-GGTCTCCTAGACTCTCCGATTCCAGAGCTGATGTTCCCCCGCTGCCCTTCTAGGACAGTG[A>T]TGAAGTCAGGCCCTGAGATCGTGAAGGCTGGCCTCCGCTCCTTCTTCGAGAGTGCCTCGG-3'
Protein context (NP_000531.2, residues 3071-3091): LARSLDARTV[Met3081Leu]KSGPEIVKAG

ClinVar aggregate classification (germline): Uncertain significance (1 of 4 stars; one submission).

Conditions:
Malignant hyperthermia, susceptibility to, 1 (MHS1). Also called: Anesthesia related hyperthermia; Malignant hyperpyrexia; Fulminating hyperpyrexia; Pharmacogenic myopathy; Malignant hyperthermia suceptibility 1; RYR1-Related Malignant Hyperthermia Susceptibility. Identifiers: Orphanet 423, MedGen C2930980, MONDO:0007783, OMIM 145600.

Submission:

All of Us Research Program, National Institutes of Health
Classification: Uncertain significance for Malignant hyperthermia, susceptibility to, 1. Last evaluated: 2024-09-23. Review status: criteria provided, single submitter. Criteria: ACMG Guidelines, 2015. Collection method: clinical testing. Allele origin: germline. Inheritance: Autosomal dominant inheritance. Observed: 1 variant allele, 1 heterozygote.
Comment: This study involves interpretation of variants in research participants for the purpose of population health screening. Participant phenotype was not available at the time of variant classification. Additional details can be found in publication PMID: 35346344, PMCID: PMC8962531